The following is an entry in ClinVar:

ClinVar aggregate classification (germline): Uncertain significance (1 of 4 stars; one submission).

Allele frequency attached by ClinVar (database versions not stated): TOPMed below 0.00001.
gnomAD v4.1: 3 of 1,590,878 alleles (0.00019%); highest among the groups gnomAD compares: Admixed American, 0.0018%; no homozygotes.

Submission:

Labcorp Genetics (formerly Invitae), Labcorp
Classification: Uncertain significance. Last evaluated: 2022-08-31. Review status: criteria provided, single submitter. Criteria: Invitae Variant Classification Sherloc (09022015). Collection method: clinical testing. Allele origin: germline.
Comment: Algorithms developed to predict the effect of missense changes on protein structure and function are either unavailable or do not agree on the potential impact of this missense change (SIFT: "Not Available"; PolyPhen-2: "Probably Damaging"; Align-GVGD: "Not Available"). In summary, the available evidence is currently insufficient to determine the role of this variant in disease. Therefore, it has been classified as a Variant of Uncertain Significance. This variant has not been reported in the literature in individuals affected with POC5-related conditions. This sequence change replaces lysine, which is basic and polar, with glutamine, which is neutral and polar, at codon 344 of the POC5 protein (p.Lys344Gln). This variant is present in population databases (no rsID available, gnomAD 0.003%).

NM_001099271.2(POC5):c.1030A>C (p.Lys344Gln)

Gene: POC5 (POC5 centriolar protein; minus strand). Cytogenetic location: 5q13.3.
Variant type: single nucleotide variant.
Coding change: c.1030A>C on transcript NM_001099271.2 (MANE Select); coding-DNA position 1030, A replaced by C.
Protein change: p.Lys344Gln; replaces lysine 344 with glutamine.
Molecular consequence: missense variant.
Genome position (GRCh38, 1-based): chr5:75,689,111, T>G on the plus strand (A>C on the coding strand, the complement: POC5 is on the minus strand). VCF-style: chr5-75689111-T-G. GRCh37 (hg19) VCF-style: chr5-74984936-T-G.
Other names: c.955A>C, p.Lys319Gln (NM_152408.3); short protein forms K319Q, K344Q.
Identifiers: ClinVar variation 1953123 (VCV001953123.5), dbSNP rs1307643669, ClinGen allele CA360145750.